The following is an entry in ClinVar:

NM_004082.5(DCTN1):c.2387A>G (p.Gln796Arg)

Gene: DCTN1 (dynactin subunit 1; minus strand). Cytogenetic location: 2p13.1.
Variant type: single nucleotide variant.
Coding change: c.2387A>G on transcript NM_004082.5 (MANE Select); coding-DNA position 2387, A replaced by G.
Protein change: p.Gln796Arg; replaces glutamine 796 with arginine.
Molecular consequence: missense variant. On other transcripts: non-coding transcript variant (1).
Genome position (GRCh38, 1-based): chr2:74,366,862, T>C on the plus strand (A>G on the coding strand, the complement: DCTN1 is on the minus strand). VCF-style: chr2-74366862-T-C. GRCh37 (hg19) VCF-style: chr2-74593989-T-C.
Other names: c.2327A>G, p.Gln776Arg (NM_001135040.3); c.1985A>G, p.Gln662Arg (NM_001135041.3, NM_023019.4); c.2276A>G, p.Gln759Arg (NM_001190836.2); c.2366A>G, p.Gln789Arg (NM_001190837.2); c.2336A>G, p.Gln779Arg (NM_001378991.1); c.2318A>G, p.Gln773Arg (NM_001378992.1); short protein forms Q662R, Q759R, Q773R, Q796R, Q789R, Q776R, Q779R.
Identifiers: ClinVar variation 1043317 (VCV001043317.9), dbSNP rs1674452900, ClinGen allele CA347347571.

ClinVar aggregate classification (germline): Uncertain significance (1 of 4 stars; one submission).

Conditions:
Perry syndrome. Also called: PARKINSONISM WITH ALVEOLAR HYPOVENTILATION AND MENTAL DEPRESSION. Identifiers: Orphanet 178509, MedGen C1868594, MONDO:0008201, OMIM 168605.
Amyotrophic lateral sclerosis type 1 (ALS1). Also called: AMYOTROPHIC LATERAL SCLEROSIS 1, FAMILIAL. Identifiers: Orphanet 803, MedGen C1862939, MONDO:0007103, OMIM 105400.
Neuronopathy, distal hereditary motor, type 7B. Also called: NEURONOPATHY, DISTAL HEREDITARY MOTOR, AUTOSOMAL DOMINANT 14; NEURONOPATHY, DISTAL HEREDITARY MOTOR, HARDING TYPE VIIB; NEUROPATHY, DISTAL HEREDITARY MOTOR, HARDING TYPE VIIB; NEUROPATHY, DISTAL HEREDITARY MOTOR, WITH VOCAL CORD PARALYSIS, HARDING TYPE VIIB; HMN VIIB; LOWER MOTOR NEURON DISEASE, DYNACTIN TYPE. Identifiers: Orphanet 139589, MedGen C1843315, MONDO:0011879, OMIM 607641.

Submission:

Labcorp Genetics (formerly Invitae), Labcorp
Classification: Uncertain significance for Amyotrophic lateral sclerosis type 1; Neuronopathy, distal hereditary motor, type 7B; Perry syndrome. Last evaluated: 2020-12-03. Review status: criteria provided, single submitter. Criteria: Invitae Variant Classification Sherloc (09022015). Collection method: clinical testing. Allele origin: germline.
Comment: This variant is not present in population databases (ExAC no frequency). This variant has not been reported in the literature in individuals with DCTN1-related conditions. Algorithms developed to predict the effect of missense changes on protein structure and function (SIFT, PolyPhen-2, Align-GVGD) all suggest that this variant is likely to be disruptive, but these predictions have not been confirmed by published functional studies and their clinical significance is uncertain. This sequence change replaces glutamine with arginine at codon 796 of the DCTN1 protein (p.Gln796Arg). The glutamine residue is highly conserved and there is a small physicochemical difference between glutamine and arginine. In summary, the available evidence is currently insufficient to determine the role of this variant in disease. Therefore, it has been classified as a Variant of Uncertain Significance.